The following is an entry in ClinVar:

NM_001042432.2(CLN3):c.773C>T (p.Ala258Val)

Gene: CLN3 (CLN3 lysosomal/endosomal transmembrane protein, battenin; minus strand). Cytogenetic location: 16p12.1.
Variant type: single nucleotide variant.
Coding change: c.773C>T on transcript NM_001042432.2 (MANE Select); coding-DNA position 773, C replaced by T.
Protein change: p.Ala258Val; replaces alanine 258 with valine.
Molecular consequence: missense variant.
Genome position (GRCh38, 1-based): chr16:28,484,023, G>A on the plus strand (C>T on the coding strand, the complement: CLN3 is on the minus strand). VCF-style: chr16-28484023-G-A. GRCh37 (hg19) VCF-style: chr16-28495344-G-A.
Other names: c.773C>T, p.Ala258Val (NM_000086.2); c.701C>T, p.Ala234Val (NM_001286104.2); c.473C>T, p.Ala158Val (NM_001286105.2); c.539C>T, p.Ala180Val (NM_001286109.2); c.611C>T, p.Ala204Val (NM_001286110.2); short protein forms A234V, A258V, A158V, A180V, A204V.
Identifiers: ClinVar variation 965870 (VCV000965870.8), dbSNP rs780823167, ClinGen allele CA7980830.

ClinVar aggregate classification (germline): Uncertain significance. Review status: criteria provided, multiple submitters, no conflicts (2 of 4 stars). 4 submissions from 4 submitters: Uncertain significance (4). Last evaluated 2025-05-13.

Conditions:
Inborn genetic diseases. Identifiers: MedGen C0950123, MeSH D030342.
Neuronal ceroid lipofuscinosis. Also called: Neuronal Ceroid Lipofuscinoses. Identifiers: Orphanet 216, Orphanet 79263, MedGen C0027877, MONDO:0016295. Disease mechanism: loss of function.

Allele frequency attached by ClinVar (database versions not stated): gnomAD 0.00001; gnomAD exomes 0.00002; TOPMed 0.00002; ExAC 0.00004.
gnomAD v4.1: 21 of 1,610,036 alleles (0.0013%); highest among the groups gnomAD compares: East Asian, 0.0045%; no homozygotes.

Submissions (4):

Ambry Genetics
Classification: Uncertain significance for Inborn genetic diseases. Last evaluated: 2025-05-13. Review status: criteria provided, single submitter. Criteria: Ambry Variant Classification Scheme 2023. Collection method: clinical testing. Allele origin: germline.

Labcorp Genetics (formerly Invitae), Labcorp
Classification: Uncertain significance for Neuronal ceroid lipofuscinosis. Last evaluated: 2024-10-15. Review status: criteria provided, single submitter. Criteria: Invitae Variant Classification Sherloc (09022015). Collection method: clinical testing. Allele origin: germline.
Comment: This sequence change replaces alanine, which is neutral and non-polar, with valine, which is neutral and non-polar, at codon 258 of the CLN3 protein (p.Ala258Val). This variant is present in population databases (rs780823167, gnomAD 0.006%). This variant has not been reported in the literature in individuals affected with CLN3-related conditions. ClinVar contains an entry for this variant (Variation ID: 965870). Invitae Evidence Modeling of protein sequence and biophysical properties (such as structural, functional, and spatial information, amino acid conservation, physicochemical variation, residue mobility, and thermodynamic stability) indicates that this missense variant is not expected to disrupt CLN3 protein function with a negative predictive value of 80%. In summary, the available evidence is currently insufficient to determine the role of this variant in disease. Therefore, it has been classified as a Variant of Uncertain Significance.

GeneDx
Classification: Uncertain significance. Last evaluated: 2024-09-22. Review status: criteria provided, single submitter. Criteria: GeneDx Variant Classification Process June 2021. Collection method: clinical testing. Allele origin: germline. Affected: yes.
Comment: Not observed at significant frequency in large population cohorts (gnomAD); In silico analysis indicates that this missense variant does not alter protein structure/function; Has not been previously published as pathogenic or benign to our knowledge

Blueprint Genetics
Classification: Uncertain significance. Last evaluated: 2022-11-10. Review status: criteria provided, single submitter. Criteria: ACMG Guidelines, 2015. Collection method: clinical testing. Allele origin: germline.